The following is an entry in ClinVar:

NM_002470.4(MYH3):c.4103A>G (p.Glu1368Gly)

Gene: MYH3 (myosin heavy chain 3; minus strand). Cytogenetic location: 17p13.1.
Variant type: single nucleotide variant.
Coding change: c.4103A>G on transcript NM_002470.4 (MANE Select); coding-DNA position 4103, A replaced by G.
Protein change: p.Glu1368Gly; replaces glutamic acid 1368 with glycine.
Molecular consequence: missense variant.
Genome position (GRCh38, 1-based): chr17:10,635,436, T>C on the plus strand (A>G on the coding strand, the complement: MYH3 is on the minus strand). VCF-style: chr17-10635436-T-C. GRCh37 (hg19) VCF-style: chr17-10538753-T-C.
Other names: short protein forms E1368G.
Identifiers: ClinVar variation 5005680 (VCV005005680.2).
Genomic context (GRCh38, chr17:10,635,436, plus strand): 5'-TCCAGCTCTTCTGTGCGCTGGATGGCGTCCGTCTCGTATTTGGTTCTCCACTGGGCAACC[T>C]CACTATTGGCCTTGGACAGCGCCCTCTGCAGCTCAGCTTTGCCTTCCTGCTCCTCCTCAT-3'
Protein context (NP_002461.2, residues 1358-1378): LQRALSKANS[Glu1368Gly]VAQWRTKYET

ClinVar aggregate classification (germline): Uncertain significance (1 of 4 stars; one submission).

Conditions:
Contractures, pterygia, and variable skeletal fusions syndrome 1B. Also called: CONTRACTURES, PTERYGIA, AND SPONDYLOCARPOTARSAL FUSION SYNDROME 1B. Identifiers: MedGen C5193114, MONDO:0020746, OMIM 618469.
Arthrogryposis, distal, type 2B3. Also called: Arthrogryposis, distal, type 2B3 (Sheldon-Hall). Identifiers: MedGen C5193098, MONDO:0032751, OMIM 618436.
Contractures, pterygia, and spondylocarpotarsal fusion syndrome 1A (CPSFS1A). Also called: MULTIPLE PTERYGIUM SYNDROME, AUTOSOMAL DOMINANT; Distal arthrogryposis type 8; Contractures, pterygia, and variable skeletal fusions syndrome 1A. Identifiers: Orphanet 65743, MedGen C1867440, MONDO:0008338, OMIM 178110.
Freeman-Sheldon syndrome (DA2A). Also called: CRANIOCARPOTARSAL DYSPLASIA; CRANIOCARPOTARSAL DYSTROPHY; WHISTLING FACE-WINDMILL VANE HAND SYNDROME; Arthrogryposis, distal, type 2A (Freeman-Sheldon). Identifiers: Orphanet 2053, MedGen C0265224, MONDO:0008675, OMIM 193700.

Submission:

Juno Genomics, Hangzhou Juno Genomics, Inc
Classification: Uncertain significance for Freeman-Sheldon syndrome; Arthrogryposis, distal, type 2B3; Contractures, pterygia, and spondylocarpotarsal fusion syndrome 1A; Contractures, pterygia, and variable skeletal fusions syndrome 1B. Review status: criteria provided, single submitter. Criteria: ACMG Guidelines, 2015. Collection method: clinical testing. Allele origin: germline.
Comment: Absent from controls (or at extremely low frequency if recessive) in Genome Aggregation Database.;Missense variant in a gene that has a low rate of benign missense variation.;Multiple lines of computational evidence support a deleterious effect on the gene or gene product.